The following is an entry in ClinVar:

NM_001145026.2(PTPRQ):c.6164C>T (p.Ser2055Leu)

Gene: PTPRQ (protein tyrosine phosphatase receptor type Q; plus strand). Cytogenetic location: 12q21.31.
Variant type: single nucleotide variant.
Coding change: c.6164C>T on transcript NM_001145026.2 (MANE Select); coding-DNA position 6164, C replaced by T.
Protein change: p.Ser2055Leu; replaces serine 2055 with leucine.
Molecular consequence: missense variant.
Genome position (GRCh38, 1-based): chr12:80,658,033, C>T. VCF-style: chr12-80658033-C-T. GRCh37 (hg19) VCF-style: chr12-81051812-C-T.
Other names: short protein forms S2055L.
Identifiers: ClinVar variation 1703452 (VCV001703452.4), dbSNP rs768307387, ClinGen allele CA6702924.

ClinVar aggregate classification (germline): Uncertain significance. Review status: criteria provided, multiple submitters, no conflicts (2 of 4 stars). 2 submissions from 2 submitters: Uncertain significance (2). Last evaluated 2026-04-14.

Allele frequency attached by ClinVar (database versions not stated): gnomAD 0.00014; TOPMed 0.00019; ExAC 0.00021; gnomAD exomes 0.00039.
gnomAD v4.1: 513 of 1,432,418 alleles (0.036%); highest among the groups gnomAD compares: Middle Eastern, 0.064%; no homozygotes.

Submissions (2):

GeneDx
Classification: Uncertain significance. Last evaluated: 2026-04-14. Review status: criteria provided, single submitter. Criteria: GeneDx Variant Classification Process June 2021. Collection method: clinical testing. Allele origin: germline.
Comment: In silico analysis supports that this missense variant has a deleterious effect on protein structure/function; Has not been previously published as pathogenic or benign to our knowledge

Blueprint Genetics
Classification: Uncertain significance. Last evaluated: 2024-11-27. Review status: criteria provided, single submitter. Criteria: ACMG Guidelines, 2015. Collection method: clinical testing. Allele origin: germline.